The following is an entry in ClinVar:

NM_001101426.4(CRPPA):c.1026+45_1026+46del

Genes: CRPPA (CDP-L-ribitol pyrophosphorylase A; minus strand), CRPPA-AS1 (CRPPA antisense RNA 1; plus strand). Cytogenetic location: 7p21.2.
Variant type: Deletion.
Coding change: c.1026+45_1026+46del on transcript NM_001101426.4 (MANE Select); bases 45 to 46 of the intron after coding-DNA position 1026, 2 bases deleted (AT; older notation c.1026+45_1026+46delAT).
Molecular consequence: intron variant.
Genome position (GRCh38, 1-based): chr7:16,258,874-16,258,875, AT deleted on the plus strand (AT on the coding strand, the reverse complement: CRPPA is on the minus strand). VCF-style (leftmost placement, unchanged base first): chr7-16258873-CAT-C. GRCh37 (hg19) VCF-style: chr7-16298498-CAT-C.
Other names: c.876+45_876+46del (NM_001101417.4); c.921+45_921+46del (NM_001368197.1).
Identifiers: ClinVar variation 257461 (VCV000257461.2), dbSNP rs139478143, ClinGen allele CA4169411.

ClinVar aggregate classification (germline): Benign. Review status: criteria provided, multiple submitters, no conflicts (2 of 4 stars). 2 submissions from 2 submitters: Benign (2). Last evaluated 2018-06-19.

Allele frequency attached by ClinVar (database versions not stated): 1000 Genomes Project 30x 0.08604; gnomAD 0.09033 and 0.08746; ESP Exome Variant Server 0.09210; gnomAD exomes 0.11184 and 0.12856; ExAC 0.12931; TOPMed 0.08630; 1000 Genomes Project 0.08726.

Submissions (2):

GeneDx
Classification: Benign. Last evaluated: 2018-06-19. Review status: criteria provided, single submitter. Criteria: GeneDx Variant Classification (06012015). Collection method: clinical testing. Allele origin: germline. Affected: yes.
Comment: This variant is considered likely benign or benign based on one or more of the following criteria: it is a conservative change, it occurs at a poorly conserved position in the protein, it is predicted to be benign by multiple in silico algorithms, and/or has population frequency not consistent with disease.

PreventionGenetics, part of Exact Sciences
Classification: Benign. Review status: criteria provided, single submitter. Criteria: ACMG Guidelines, 2015. Collection method: clinical testing. Allele origin: germline.